The following is an entry in ClinVar:

NM_005883.3(APC2):c.6640C>T (p.Pro2214Ser)

Gene: APC2 (APC regulator of Wnt signaling pathway 2; plus strand). Cytogenetic location: 19p13.3.
Variant type: single nucleotide variant.
Coding change: c.6640C>T on transcript NM_005883.3 (MANE Select); coding-DNA position 6640, C replaced by T.
Protein change: p.Pro2214Ser; replaces proline 2214 with serine.
Molecular consequence: missense variant.
Genome position (GRCh38, 1-based): chr19:1,469,941, C>T. VCF-style: chr19-1469941-C-T. GRCh37 (hg19) VCF-style: chr19-1469940-C-T.
Other names: c.6637C>T, p.Pro2213Ser (NM_001351273.1); short protein forms P2213S, P2214S.
Identifiers: ClinVar variation 4085169 (VCV004085169.8).
Genomic context (GRCh38, chr19:1,469,941, plus strand): 5'-GAGGAGGTCGCCGCCCCCAAGACCAACTCCAGCACGTCCCCGAGCCTGGAGACCAGGGAG[C>T]CCCCCGGGGCCCCCGCCGGCGGCCAGCTCTCCCTCCTCGGCAGCGACGTGGACGGTCCCA-3'
Protein context (NP_005874.1, residues 2204-2224): STSPSLETRE[Pro2214Ser]PGAPAGGQLS

ClinVar aggregate classification (germline): Uncertain significance (1 of 4 stars; one submission).

gnomAD v4.1: 2 of 1,509,578 alleles (0.00013%); highest among the groups gnomAD compares: Non-Finnish European, 0.00018%; no homozygotes.

Submission:

CeGaT Center for Human Genetics Tuebingen
Classification: Uncertain significance. Last evaluated: 2025-06-01. Review status: criteria provided, single submitter. Criteria: CeGaT Center For Human Genetics Tuebingen Variant Classification Criteria Version 2. Collection method: clinical testing. Allele origin: germline. Affected: yes. Observed: 1 variant allele.
Comment: APC2: PM2, PP3